The following is an entry in ClinVar:

ClinVar aggregate classification (germline): Uncertain significance (1 of 4 stars; one submission).

gnomAD v4.1: 5 of 1,613,830 alleles (0.00031%); highest among the groups gnomAD compares: Non-Finnish European, 0.00042%; no homozygotes.

Submission:

GeneDx
Classification: Uncertain significance. Last evaluated: 2025-02-14. Review status: criteria provided, single submitter. Criteria: GeneDx Variant Classification Process June 2021. Collection method: clinical testing. Allele origin: germline. Affected: yes.
Comment: Observed in large population cohorts (gnomAD; internal data); In silico analysis supports that this missense variant has a deleterious effect on protein structure/function; Has not been previously published as pathogenic or benign to our knowledge

NM_001012339.3(DNAJC21):c.689A>G (p.Glu230Gly)

Gene: DNAJC21 (DnaJ heat shock protein family (Hsp40) member C21; plus strand). Cytogenetic location: 5p13.2.
Variant type: single nucleotide variant.
Coding change: c.689A>G on transcript NM_001012339.3 (MANE Select); coding-DNA position 689, A replaced by G.
Protein change: p.Glu230Gly; replaces glutamic acid 230 with glycine.
Molecular consequence: missense variant.
Genome position (GRCh38, 1-based): chr5:34,937,576, A>G. VCF-style: chr5-34937576-A-G. GRCh37 (hg19) VCF-style: chr5-34937681-A-G.
Other names: c.689A>G, p.Glu230Gly (NM_001348420.2, NM_194283.4); short protein forms E230G.
Identifiers: ClinVar variation 4075705 (VCV004075705.1).